The following is an entry in ClinVar:

NM_001174089.2(SLC4A11):c.1042+4C>T

Gene: SLC4A11 (solute carrier family 4 member 11; minus strand). Cytogenetic location: 20p13.
Variant type: single nucleotide variant.
Coding change: c.1042+4C>T on transcript NM_001174089.2 (MANE Select); 4 bases into the intron after coding-DNA position 1042, C replaced by T.
Molecular consequence: intron variant.
Genome position (GRCh38, 1-based): chr20:3,231,145, G>A on the plus strand (C>T on the coding strand, the complement: SLC4A11 is on the minus strand). VCF-style: chr20-3231145-G-A. GRCh37 (hg19) VCF-style: chr20-3211791-G-A.
Other names: c.985+4C>T (NM_001400277.1, NM_001400278.1, NM_001400279.1); c.1042+4C>T (NM_001363745.2); c.1171+4C>T (NM_001400280.1, NM_001174090.2); c.1090+4C>T (NM_032034.4).
Identifiers: ClinVar variation 2141338 (VCV002141338.1), dbSNP rs185564647, ClinGen allele CA9742030.

ClinVar aggregate classification (germline): Uncertain significance (1 of 4 stars; one submission).

Allele frequency attached by ClinVar (database versions not stated): TOPMed 0.00001; gnomAD 0.00002; ExAC 0.00003; gnomAD exomes 0.00006; 1000 Genomes Project 30x 0.00016; 1000 Genomes Project 0.00020.

Submission:

Labcorp Genetics (formerly Invitae), Labcorp
Classification: Uncertain significance. Last evaluated: 2022-08-06. Review status: criteria provided, single submitter. Criteria: Invitae Variant Classification Sherloc (09022015). Collection method: clinical testing. Allele origin: germline.
Comment: This sequence change falls in intron 8 of the SLC4A11 gene. It does not directly change the encoded amino acid sequence of the SLC4A11 protein. It affects a nucleotide within the consensus splice site. This variant is present in population databases (rs185564647, gnomAD 0.03%). This variant has not been reported in the literature in individuals affected with SLC4A11-related conditions. Variants that disrupt the consensus splice site are a relatively common cause of aberrant splicing (PMID: 17576681, 9536098). Algorithms developed to predict the effect of sequence changes on RNA splicing suggest that this variant is not likely to affect RNA splicing. In summary, the available evidence is currently insufficient to determine the role of this variant in disease. Therefore, it has been classified as a Variant of Uncertain Significance.

Literature cited by the submitters: PubMed 17576681; PubMed 9536098.